The following is an entry in ClinVar:

NM_144670.6(A2ML1):c.2284G>A (p.Glu762Lys)

Gene: A2ML1 (alpha-2-macroglobulin like 1; plus strand). Cytogenetic location: 12p13.31.
Variant type: single nucleotide variant.
Coding change: c.2284G>A on transcript NM_144670.6 (MANE Select); coding-DNA position 2284, G replaced by A.
Protein change: p.Glu762Lys; replaces glutamic acid 762 with lysine.
Molecular consequence: missense variant.
Genome position (GRCh38, 1-based): chr12:8,851,833, G>A. VCF-style: chr12-8851833-G-A. GRCh37 (hg19) VCF-style: chr12-9004429-G-A.
Other names: c.811G>A, p.Glu271Lys (NM_001282424.3); c.2284G>A (NM_144670.3); short protein forms E271K, E762K.
Identifiers: ClinVar variation 1504521 (VCV001504521.7), dbSNP rs756409438, ClinGen allele CA6435980.
Genomic context (GRCh38, chr12:8,851,833, plus strand): 5'-TGTTTTCACAGTAACTCGGGGAAGGAGGCGGTCCACGTCACAGTTCCTGACGCCATCACC[G>A]AGTGGAAGGCGATGAGTTTCTGCACTTCCCAGTCAAGAGGCTTCGGGCTTTCACCCACTG-3'
Protein context (NP_653271.3, residues 752-772): VHVTVPDAIT[Glu762Lys]WKAMSFCTSQ

ClinVar aggregate classification (germline): Uncertain significance. Review status: criteria provided, multiple submitters, no conflicts (2 of 4 stars). 2 submissions from 2 submitters: Uncertain significance (2). Last evaluated 2025-12-23.

Allele frequency attached by ClinVar (database versions not stated): TOPMed 0.00001.
gnomAD v4.1: 13 of 1,614,058 alleles (0.00081%); highest among the groups gnomAD compares: Admixed American, 0.0033%; no homozygotes.

Submissions (2):

Labcorp Genetics (formerly Invitae), Labcorp
Classification: Uncertain significance. Last evaluated: 2025-12-23. Review status: criteria provided, single submitter. Criteria: Invitae Variant Classification Sherloc (09022015). Collection method: clinical testing. Allele origin: germline.
Comment: This sequence change replaces glutamic acid, which is acidic and polar, with lysine, which is basic and polar, at codon 762 of the A2ML1 protein (p.Glu762Lys). This variant is present in population databases (rs756409438, gnomAD 0.007%). This variant has not been reported in the literature in individuals affected with A2ML1-related conditions. ClinVar contains an entry for this variant (Variation ID: 1504521). An algorithm developed to predict the effect of missense changes on protein structure and function outputs the following: PolyPhen-2: "Benign". The lysine amino acid residue is found in multiple mammalian species, which suggests that this missense change does not adversely affect protein function. In summary, the available evidence is currently insufficient to determine the role of this variant in disease. Therefore, it has been classified as a Variant of Uncertain Significance.

Ambry Genetics
Classification: Uncertain significance. Last evaluated: 2023-10-10. Review status: criteria provided, single submitter. Criteria: Ambry Variant Classification Scheme 2023. Collection method: clinical testing. Allele origin: germline.
Comment: The p.E762K variant (also known as c.2284G>A), located in coding exon 19 of the A2ML1 gene, results from a G to A substitution at nucleotide position 2284. The glutamic acid at codon 762 is replaced by lysine, an amino acid with similar properties. This amino acid position is conserved. In addition, this alteration is predicted to be tolerated by in silico analysis. Since supporting evidence is limited at this time, the clinical significance of this alteration remains unclear.